The following is an entry in ClinVar:

NM_000051.4(ATM):c.4159A>T (p.Lys1387Ter)

Gene: ATM (ATM serine/threonine kinase; plus strand). Cytogenetic location: 11q22.3.
Variant type: single nucleotide variant.
Coding change: c.4159A>T on transcript NM_000051.4 (MANE Select); coding-DNA position 4159, A replaced by T.
Protein change: p.Lys1387Ter; replaces lysine 1387 with a stop codon.
Molecular consequence: nonsense.
Genome position (GRCh38, 1-based): chr11:108,289,026, A>T. VCF-style: chr11-108289026-A-T. GRCh37 (hg19) VCF-style: chr11-108159753-A-T.
Other names: c.4159A>T, p.Lys1387Ter (NM_001351834.2); short protein forms K1387*.
Identifiers: ClinVar variation 1738314 (VCV001738314.8), dbSNP rs2546904292, ClinGen allele CA382530055.

ClinVar aggregate classification (germline): Pathogenic/Likely pathogenic. Review status: criteria provided, multiple submitters, no conflicts (2 of 4 stars). 3 submissions from 3 submitters: Pathogenic (2); Likely pathogenic (1). Last evaluated 2023-09-09.

Conditions:
Familial cancer of breast. Also called: BREAST CANCER, FAMILIAL; Hereditary breast cancer; hereditary breast carcinoma. Identifiers: Orphanet 227535, MedGen C0346153, MONDO:0016419, OMIM 114480. Disease mechanism: loss of function.
Hereditary cancer-predisposing syndrome. Also called: Neoplastic Syndromes, Hereditary; Tumor predisposition; Hereditary Cancer Syndrome; Hereditary neoplastic syndrome. Identifiers: Orphanet 140162, MedGen C0027672, MeSH D009386, MONDO:0015356.
Ataxia-telangiectasia syndrome (AT). Also called: LOUIS-BAR SYNDROME; Cerebello-oculocutaneous telangiectasia; Immunodeficiency with ataxia telangiectasia; Ataxia-telangiectasia, complementation group D; AT, COMPLEMENTATION GROUP C; ATAXIA-TELANGIECTASIA, COMPLEMENTATION GROUP A. Identifiers: Orphanet 100, MedGen C0004135, MONDO:0008840, OMIM 208900.

Allele frequency attached by ClinVar (database versions not stated): gnomAD exomes below 0.00001.
gnomAD v4.1: 1 of 1,613,544 alleles (0.000062%); no homozygotes.

Submissions (3):

Labcorp Genetics (formerly Invitae), Labcorp
Classification: Pathogenic for Ataxia-telangiectasia syndrome. Last evaluated: 2023-09-09. Review status: criteria provided, single submitter. Criteria: Invitae Variant Classification Sherloc (09022015). Collection method: clinical testing. Allele origin: germline.
Comment: This variant is not present in population databases (gnomAD no frequency). For these reasons, this variant has been classified as Pathogenic. ClinVar contains an entry for this variant (Variation ID: 1738314). This variant has not been reported in the literature in individuals affected with ATM-related conditions. This sequence change creates a premature translational stop signal (p.Lys1387*) in the ATM gene. It is expected to result in an absent or disrupted protein product. Loss-of-function variants in ATM are known to be pathogenic (PMID: 23807571, 25614872).

Baylor Genetics
Classification: Likely pathogenic for Familial cancer of breast. Last evaluated: 2021-06-30. Review status: criteria provided, single submitter. Criteria: ACMG Guidelines, 2015. Collection method: clinical testing. Allele origin: unknown.

Ambry Genetics
Classification: Pathogenic for Hereditary cancer-predisposing syndrome. Last evaluated: 2019-05-31. Review status: criteria provided, single submitter. Criteria: Ambry Variant Classification Scheme 2023. Collection method: clinical testing. Allele origin: germline.
Comment: The p.K1387* pathogenic mutation (also known as c.4159A>T), located in coding exon 27 of the ATM gene, results from an A to T substitution at nucleotide position 4159. This changes the amino acid from a lysine to a stop codon within coding exon 27. This alteration is expected to result in loss of function by premature protein truncation or nonsense-mediated mRNA decay. As such, this alteration is interpreted as a disease-causing mutation.

Literature cited by the submitters: PubMed 23807571 (cited by Labcorp Genetics (formerly Invitae), Labcorp); PubMed 25614872 (cited by Labcorp Genetics (formerly Invitae), Labcorp).